The following is an entry in ClinVar:

NM_000160.5(GCGR):c.535A>C (p.Asn179His)

Gene: GCGR (glucagon receptor; plus strand). Cytogenetic location: 17q25.3.
Variant type: single nucleotide variant.
Coding change: c.535A>C on transcript NM_000160.5 (MANE Select); coding-DNA position 535, A replaced by C.
Protein change: p.Asn179His; replaces asparagine 179 with histidine.
Molecular consequence: missense variant.
Genome position (GRCh38, 1-based): chr17:81,811,438, A>C. VCF-style: chr17-81811438-A-C. GRCh37 (hg19) VCF-style: chr17-79769314-A-C.
Other names: short protein forms N179H.
Identifiers: ClinVar variation 2698012 (VCV002698012.3), dbSNP rs756243536, ClinGen allele CA401495240.

ClinVar aggregate classification (germline): Uncertain significance (1 of 4 stars; one submission).

gnomAD v4.1: 1 of 1,536,572 alleles (0.000065%); highest among the groups gnomAD compares: Non-Finnish European, 0.000087%; no homozygotes.

Submission:

Labcorp Genetics (formerly Invitae), Labcorp
Classification: Uncertain significance. Last evaluated: 2023-11-21. Review status: criteria provided, single submitter. Criteria: Invitae Variant Classification Sherloc (09022015). Collection method: clinical testing. Allele origin: germline.
Comment: This sequence change replaces asparagine, which is neutral and polar, with histidine, which is basic and polar, at codon 179 of the GCGR protein (p.Asn179His). This variant is not present in population databases (gnomAD no frequency). This variant has not been reported in the literature in individuals affected with GCGR-related conditions. An algorithm developed to predict the effect of missense changes on protein structure and function (PolyPhen-2) suggests that this variant is likely to be disruptive. In summary, the available evidence is currently insufficient to determine the role of this variant in disease. Therefore, it has been classified as a Variant of Uncertain Significance.